The following is an entry in ClinVar:

NM_004260.4(RECQL4):c.2750A>G (p.Glu917Gly)

Gene: RECQL4 (RecQ like helicase 4; minus strand). Cytogenetic location: 8q24.3.
Variant type: single nucleotide variant.
Coding change: c.2750A>G on transcript NM_004260.4 (MANE Select); coding-DNA position 2750, A replaced by G.
Protein change: p.Glu917Gly; replaces glutamic acid 917 with glycine.
Molecular consequence: missense variant. On other transcripts: non-coding transcript variant (3).
Genome position (GRCh38, 1-based): chr8:144,512,852, T>C on the plus strand (A>G on the coding strand, the complement: RECQL4 is on the minus strand). VCF-style: chr8-144512852-T-C. GRCh37 (hg19) VCF-style: chr8-145738235-T-C.
Other names: c.2456A>G, p.Glu819Gly (NM_001413017.1); c.2552A>G, p.Glu851Gly (NM_001413018.1); c.2750A>G, p.Glu917Gly (NM_001413019.1, NM_001413036.1); c.2654A>G, p.Glu885Gly (NM_001413020.1); c.1679A>G, p.Glu560Gly (NM_001413021.1, NM_001413022.1, NM_001413023.1 and 5 more transcripts); c.2621A>G, p.Glu874Gly (NM_001413025.1); c.1547A>G, p.Glu516Gly (NM_001413037.1); c.1481A>G, p.Glu494Gly (NM_001413038.1, NM_001413031.1); and 6 more; short protein forms E800G, E819G, E873G, E907G, E516G, E851G, E428G, E550G.
Identifiers: ClinVar variation 2918689 (VCV002918689.3), dbSNP rs2537996345, ClinGen allele CA372674748.
Genomic context (GRCh38, chr8:144,512,852, plus strand): 5'-AGCGGACGCGGGGACAGCCCCTCCACACCCCTGTGGCTTACCCCAGGTTCCTCACCCTCC[T>C]CCGGCATGTCCAAAGCCTGTACGGTAAGCTGTATTGGGAGTGCCCGCTCATGGCCCATGC-3'
Protein context (NP_004251.4, residues 907-927): QLTVQALDMP[Glu917Gly]EAIETLLCYL

ClinVar aggregate classification (germline): Uncertain significance (1 of 4 stars; one submission).

Conditions:
Baller-Gerold syndrome (BGS). Also called: CRANIOSYNOSTOSIS WITH RADIAL DEFECTS. Identifiers: Orphanet 1225, MedGen C0265308, MONDO:0009039, OMIM 218600.

Submission:

Labcorp Genetics (formerly Invitae), Labcorp
Classification: Uncertain significance for Baller-Gerold syndrome. Last evaluated: 2023-04-26. Review status: criteria provided, single submitter. Criteria: Invitae Variant Classification Sherloc (09022015). Collection method: clinical testing. Allele origin: germline.
Comment: In summary, the available evidence is currently insufficient to determine the role of this variant in disease. Therefore, it has been classified as a Variant of Uncertain Significance. Algorithms developed to predict the effect of sequence changes on RNA splicing suggest that this variant may disrupt the consensus splice site. Advanced modeling of protein sequence and biophysical properties (such as structural, functional, and spatial information, amino acid conservation, physicochemical variation, residue mobility, and thermodynamic stability) performed at Invitae indicates that this missense variant is expected to disrupt RECQL4 protein function. This variant has not been reported in the literature in individuals affected with RECQL4-related conditions. This variant is not present in population databases (gnomAD no frequency). This sequence change replaces glutamic acid, which is acidic and polar, with glycine, which is neutral and non-polar, at codon 917 of the RECQL4 protein (p.Glu917Gly).